The following is an entry in ClinVar:

NM_001927.4(DES):c.1259T>C (p.Ile420Thr)

Gene: DES (desmin; plus strand). Cytogenetic location: 2q35.
Variant type: single nucleotide variant.
Coding change: c.1259T>C on transcript NM_001927.4 (MANE Select); coding-DNA position 1259, T replaced by C.
Protein change: p.Ile420Thr; replaces isoleucine 420 with threonine.
Molecular consequence: missense variant.
Genome position (GRCh38, 1-based): chr2:219,423,791, T>C. VCF-style: chr2-219423791-T-C. GRCh37 (hg19) VCF-style: chr2-220288513-T-C.
Other names: c.1256T>C, p.Ile419Thr (NM_001382708.1); c.827T>C, p.Ile276Thr (NM_001382709.1); c.1190T>C, p.Ile397Thr (NM_001382710.1); c.1238T>C, p.Ile413Thr (NM_001382711.1); c.1259T>C, p.Ile420Thr (NM_001382712.1); c.989T>C, p.Ile330Thr (NM_001382713.1); short protein forms I276T, I330T, I413T, I419T, I397T, I420T.
Identifiers: ClinVar variation 1968171 (VCV001968171.5), dbSNP rs948600065, ClinGen allele CA65985438.

ClinVar aggregate classification (germline): Uncertain significance (1 of 4 stars; one submission).

Conditions:
Desmin-related myofibrillar myopathy (MFM1). Also called: Desminopathy; MYOFIBRILLAR MYOPATHY WITH ARRHYTHMOGENIC RIGHT VENTRICULAR CARDIOMYOPATHY; DESMIN-RELATED MYOPATHY WITH ARRHYTHMOGENIC RIGHT VENTRICULAR CARDIOMYOPATHY; Myofibrillar myopathy 1; Desmin related myopathy (former name); Desmin storage myopathy (former name). Identifiers: Orphanet 363543, Orphanet 98909, MedGen C1832370, MONDO:0011076, OMIM 601419.

gnomAD v4.1: 4 of 1,613,872 alleles (0.00025%); highest among the groups gnomAD compares: East Asian, 0.0067%; no homozygotes.

Submission:

Labcorp Genetics (formerly Invitae), Labcorp
Classification: Uncertain significance for Desmin-related myofibrillar myopathy. Last evaluated: 2022-06-13. Review status: criteria provided, single submitter. Criteria: Invitae Variant Classification Sherloc (09022015). Collection method: clinical testing. Allele origin: germline.
Comment: In summary, the available evidence is currently insufficient to determine the role of this variant in disease. Therefore, it has been classified as a Variant of Uncertain Significance. Algorithms developed to predict the effect of missense changes on protein structure and function (SIFT, PolyPhen-2, Align-GVGD) all suggest that this variant is likely to be tolerated. This variant has not been reported in the literature in individuals affected with DES-related conditions. This variant is present in population databases (no rsID available, gnomAD 0.02%). This sequence change replaces isoleucine, which is neutral and non-polar, with threonine, which is neutral and polar, at codon 420 of the DES protein (p.Ile420Thr).